The following is an entry in ClinVar:

NM_006019.4(TCIRG1):c.1165G>C (p.Ala389Pro)

Gene: TCIRG1 (T cell immune regulator 1, ATPase H+ transporting V0 subunit a3; plus strand). Cytogenetic location: 11q13.2.
Variant type: single nucleotide variant.
Coding change: c.1165G>C on transcript NM_006019.4 (MANE Select); coding-DNA position 1165, G replaced by C.
Protein change: p.Ala389Pro; replaces alanine 389 with proline.
Molecular consequence: missense variant.
Genome position (GRCh38, 1-based): chr11:68,045,102, G>C. VCF-style: chr11-68045102-G-C. GRCh37 (hg19) VCF-style: chr11-67812569-G-C.
Other names: c.271G>C, p.Ala91Pro (NM_001351059.2); c.517G>C, p.Ala173Pro (NM_006053.4); short protein forms A389P, A91P, A173P.
Identifiers: ClinVar variation 3675173 (VCV003675173.2).

ClinVar aggregate classification (germline): Uncertain significance (1 of 4 stars; one submission).

Submission:

Labcorp Genetics (formerly Invitae), Labcorp
Classification: Uncertain significance. Last evaluated: 2024-11-08. Review status: criteria provided, single submitter. Criteria: Invitae Variant Classification Sherloc (09022015). Collection method: clinical testing. Allele origin: germline.
Comment: This sequence change replaces alanine, which is neutral and non-polar, with proline, which is neutral and non-polar, at codon 389 of the TCIRG1 protein (p.Ala389Pro). This variant also falls at the last nucleotide of exon 10, which is part of the consensus splice site for this exon. This variant is not present in population databases (gnomAD no frequency). This variant has not been reported in the literature in individuals affected with TCIRG1-related conditions. An algorithm developed to predict the effect of missense changes on protein structure and function (PolyPhen-2) suggests that this variant is likely to be disruptive. Variants that disrupt the consensus splice site are a relatively common cause of aberrant splicing (PMID: 17576681, 9536098). Algorithms developed to predict the effect of sequence changes on RNA splicing suggest that this variant may disrupt the consensus splice site. In summary, the available evidence is currently insufficient to determine the role of this variant in disease. Therefore, it has been classified as a Variant of Uncertain Significance.

Literature cited by the submitters: PubMed 17576681; PubMed 9536098.